The following is an entry in ClinVar:

NM_000282.4(PCCA):c.858T>A (p.Asn286Lys)

Gene: PCCA (propionyl-CoA carboxylase subunit alpha; plus strand). Cytogenetic location: 13q32.3.
Variant type: single nucleotide variant.
Coding change: c.858T>A on transcript NM_000282.4 (MANE Select); coding-DNA position 858, T replaced by A.
Protein change: p.Asn286Lys; replaces asparagine 286 with lysine.
Molecular consequence: missense variant. On other transcripts: 5 prime UTR variant (3), non-coding transcript variant (5).
Genome position (GRCh38, 1-based): chr13:100,268,727, T>A. VCF-style: chr13-100268727-T-A. GRCh37 (hg19) VCF-style: chr13-100920981-T-A.
Other names: c.780T>A, p.Asn260Lys (NM_001127692.3, NM_001352607.2, NM_001352608.2); c.858T>A, p.Asn286Lys (NM_001178004.2, NM_001352605.2, NM_001352606.2 and 1 more transcripts); c.-88T>A (NM_001352610.2, NM_001352611.2, NM_001352612.2); short protein forms N286K, N260K.
Identifiers: ClinVar variation 1492680 (VCV001492680.8), dbSNP rs778427348, ClinGen allele CA388694530.

ClinVar aggregate classification (germline): Uncertain significance (1 of 4 stars; one submission).

Conditions:
Propionic acidemia (PROP). Also called: GLYCINEMIA, KETOTIC; HYPERGLYCINEMIA WITH KETOACIDOSIS AND LEUKOPENIA; KETOTIC HYPERGLYCINEMIA. Identifiers: Orphanet 35, MedGen C0268579, MONDO:0011628, OMIM 606054, HP:0003571.

Submission:

Labcorp Genetics (formerly Invitae), Labcorp
Classification: Uncertain significance for Propionic acidemia. Last evaluated: 2021-04-30. Review status: criteria provided, single submitter. Criteria: Invitae Variant Classification Sherloc (09022015). Collection method: clinical testing. Allele origin: germline.
Comment: This sequence change replaces asparagine with lysine at codon 286 of the PCCA protein (p.Asn286Lys). The asparagine residue is highly conserved and there is a moderate physicochemical difference between asparagine and lysine. In summary, the available evidence is currently insufficient to determine the role of this variant in disease. Therefore, it has been classified as a Variant of Uncertain Significance. Algorithms developed to predict the effect of sequence changes on RNA splicing suggest that this variant may create or strengthen a splice site, but this prediction has not been confirmed by published transcriptional studies. Advanced modeling of protein sequence and biophysical properties (such as structural, functional, and spatial information, amino acid conservation, physicochemical variation, residue mobility, and thermodynamic stability) performed at Invitae indicates that this missense variant is expected to disrupt PCCA protein function. This variant has not been reported in the literature in individuals with PCCA-related conditions. This variant is not present in population databases (ExAC no frequency).